The following is an entry in ClinVar:

NM_000138.5(FBN1):c.2641G>T (p.Ala881Ser)

Gene: FBN1 (fibrillin 1; minus strand). Cytogenetic location: 15q21.1.
Variant type: single nucleotide variant.
Coding change: c.2641G>T on transcript NM_000138.5 (MANE Select); coding-DNA position 2641, G replaced by T.
Protein change: p.Ala881Ser; replaces alanine 881 with serine.
Molecular consequence: missense variant.
Genome position (GRCh38, 1-based): chr15:48,495,159, C>A on the plus strand (G>T on the coding strand, the complement: FBN1 is on the minus strand). VCF-style: chr15-48495159-C-A. GRCh37 (hg19) VCF-style: chr15-48787356-C-A.
Other names: c.2641G>T, p.Ala881Ser (NM_001406716.1); short protein forms A881S.
Identifiers: ClinVar variation 2773373 (VCV002773373.3), dbSNP rs781682561, ClinGen allele CA392332196.
Genomic context (GRCh38, chr15:48,495,159, plus strand): 5'-AACCACAGCATGGGTTTCTCTTACCAACTTGGCATAGGGTGCACGGGCTTCCCCACGCAG[C>A]ACCGAGGGAGGAGCAGCACTGGGACTTTAAGGTGGCTCCATTGATGTTGATCTCACATCG-3'
Protein context (NP_000129.3, residues 871-891): LKSQCCSSLG[Ala881Ser]AWGSPCTLCQ

ClinVar aggregate classification (germline): Uncertain significance. Review status: criteria provided, multiple submitters, no conflicts (2 of 4 stars). 2 submissions from 2 submitters: Uncertain significance (2). Last evaluated 2026-06-11.

Conditions:
Familial thoracic aortic aneurysm and aortic dissection (TAAD). Also called: Thoracic aortic aneurysms and dissections. Identifiers: Orphanet 91387, MedGen C4707243, MONDO:0019625.

Submissions (2):

Ambry Genetics
Classification: Uncertain significance for Familial thoracic aortic aneurysm and aortic dissection. Last evaluated: 2026-06-11. Review status: criteria provided, single submitter. Criteria: Ambry Variant Classification Scheme 2023. Collection method: clinical testing. Allele origin: germline.

Color Diagnostics, LLC DBA Color Health
Classification: Uncertain significance for Familial thoracic aortic aneurysm and aortic dissection. Last evaluated: 2023-12-05. Review status: criteria provided, single submitter. Criteria: ACMG Guidelines, 2015. Collection method: clinical testing. Allele origin: germline.
Comment: This missense variant replaces alanine with serine at codon 881 of the FBN1 protein. Computational prediction is inconclusive regarding the impact of this variant on protein structure and function (internally defined REVEL score threshold 0.5 < inconclusive < 0.7, PMID: 27666373). To our knowledge, functional studies have not been reported for this variant. This variant has not been reported in individuals affected with FBN1-related disorders in the literature. This variant has not been identified in the general population by the Genome Aggregation Database (gnomAD). The available evidence is insufficient to determine the role of this variant in disease conclusively. Therefore, this variant is classified as a Variant of Uncertain Significance.